The following is an entry in ClinVar:

NC_000012.11:g.(?_110232124)_(110236727_?)del

Gene: TRPV4 (transient receptor potential cation channel subfamily V member 4; minus strand). Cytogenetic location: 12q24.11.
Variant type: Deletion.
Identifiers: ClinVar variation 3244323 (VCV003244323.1).

ClinVar aggregate classification (germline): Uncertain significance (1 of 4 stars; one submission).

Conditions:
Charcot-Marie-Tooth disease axonal type 2C (HMSN2C). Also called: CHARCOT-MARIE-TOOTH DISEASE, AXONAL, AUTOSOMAL DOMINANT, TYPE 2C; Charcot-Marie-Tooth Neuropathy Type 2C; Charcot-Marie-Tooth Disease Type 2, TRPV4-Related (CMT2C). Identifiers: Orphanet 99937, MedGen C1853710, MONDO:0011633, OMIM 606071.

Submission:

Labcorp Genetics (formerly Invitae), Labcorp
Classification: Uncertain significance for Charcot-Marie-Tooth disease axonal type 2C. Last evaluated: 2020-07-21. Review status: criteria provided, single submitter. Criteria: Invitae Variant Classification Sherloc (09022015). Collection method: clinical testing. Allele origin: unknown.
Comment: In summary, the available evidence is currently insufficient to determine the role of this variant in disease. Therefore, it has been classified as a Variant of Uncertain Significance. This variant is an out-of-frame deletion of the genomic region encompassing exon(s) 6-8 of the TRPV4 gene. This is expected to create a premature translational stop signal and result in an absent or disrupted protein product. This variant has not been reported in the literature in individuals with TRPV4-related conditions. The current clinical and genetic evidence is not sufficient to establish whether loss-of-function variants in TRPV4 cause disease.